The following is an entry in ClinVar:

NM_001034853.2(RPGR):c.2146G>T (p.Glu716Ter)

Gene: RPGR (retinitis pigmentosa GTPase regulator; minus strand). Cytogenetic location: Xp11.4.
Variant type: single nucleotide variant.
Coding change: c.2146G>T on transcript NM_001034853.2 (MANE Select); coding-DNA position 2146, G replaced by T.
Protein change: p.Glu716Ter; replaces glutamic acid 716 with a stop codon.
Molecular consequence: nonsense. On other transcripts: intron variant (8).
Genome position (GRCh38, 1-based): chrX:38,286,853, C>A on the plus strand (G>T on the coding strand, the complement: RPGR is on the minus strand). VCF-style: chrX-38286853-C-A. GRCh37 (hg19) VCF-style: chrX-38146106-C-A.
Other names: c.1569+4106G>T (NM_001367249.1, NM_001367250.1); c.1902+241G>T (NM_001367245.1); c.1386+4106G>T (NM_001367251.1); c.1719+241G>T (NM_001367246.1); c.1572+4106G>T (NM_001367247.1); c.1905+241G>T (NM_000328.3); c.1602+4106G>T (NM_001367248.1); short protein forms E716*.
Identifiers: ClinVar variation 866993 (VCV000866993.7), dbSNP rs2067191335, ClinGen allele CA412731339.
Genomic context (GRCh38, chrX:38,286,853, plus strand): 5'-CATGCTCCTCCTCCCCTCCCTCCTCCATCTCTTGGTTTCTTTCCTTCTGATGGCCCTGCT[C>A]CCTCTCCTTTTGCTCCTGCTCTTCCCCATCCCTCTTCTTCCATTCTTCCTTCTCTGCTAG-3'

ClinVar aggregate classification (germline): Pathogenic. Review status: criteria provided, multiple submitters, no conflicts (2 of 4 stars). 4 submissions from 3 submitters: Pathogenic (3). 1 of the submissions does not count toward it. Last evaluated 2024-09-14.

Conditions:
Retinitis pigmentosa 3. Also called: CHOROIDORETINAL DEGENERATION WITH RETINAL REFLEX IN HETEROZYGOUS WOMEN. Identifiers: Orphanet 791, MedGen C1845667, MONDO:0010227, OMIM 300029.
Retinal dystrophy. Also called: Inherited retinal dystrophy. Identifiers: Orphanet 71862, MedGen C0854723, MeSH D058499, MONDO:0019118, HP:0000556.
Primary ciliary dyskinesia. Also called: Ciliary dyskinesia. Identifiers: Orphanet 244, MedGen C0008780, MONDO:0016575, HP:0012265.

Submissions (4):

Labcorp Genetics (formerly Invitae), Labcorp
Classification: Pathogenic for Primary ciliary dyskinesia. Last evaluated: 2024-09-14. Review status: criteria provided, single submitter. Criteria: Invitae Variant Classification Sherloc (09022015). Collection method: clinical testing. Allele origin: germline.
Comment: This sequence change creates a premature translational stop signal (p.Glu716*) in the RPGR (ORF15) gene. While this is not anticipated to result in nonsense mediated decay, it is expected to disrupt the last 437 amino acid(s) of the RPGR (ORF15) protein. This variant is not present in population databases (gnomAD no frequency). This premature translational stop signal has been observed in individual(s) with retinitis pigmentosa (PMID: 11992260). This variant is also known as 394G>T (Glu133Ter). ClinVar contains an entry for this variant (Variation ID: 866993). This variant disrupts a region of the RPGR (ORF15) protein in which other variant(s) (p.Leu1130Lysfs*13) have been determined to be pathogenic (PMID: 22264887; internal data). This suggests that this is a clinically significant region of the protein, and that variants that disrupt it are likely to be disease-causing. For these reasons, this variant has been classified as Pathogenic.

Blueprint Genetics
Classification: Pathogenic for Retinal dystrophy. Last evaluated: 2018-08-28. Review status: criteria provided, single submitter. Criteria: Blueprint Genetics Variant Classification Scheme. Collection method: clinical testing. Allele origin: germline. Affected: yes.

PreventionGenetics, part of Exact Sciences
Classification: Pathogenic. Last evaluated: 2016-09-23. Review status: criteria provided, single submitter. Criteria: ACMG Guidelines, 2015. Collection method: clinical testing. Allele origin: germline.

Blueprint Genetics
Classification: Pathogenic for Retinitis pigmentosa 3. Review status: no assertion criteria provided. Collection method: clinical testing. Allele origin: germline. Affected: yes. Not counted in ClinVar's aggregate classification.

Literature cited by the submitters: PubMed 11992260 (cited by Labcorp Genetics (formerly Invitae), Labcorp); PubMed 22264887 (cited by Labcorp Genetics (formerly Invitae), Labcorp).